The following is an entry in ClinVar:

NM_015512.5(DNAH1):c.7192C>T (p.Arg2398Cys)

Gene: DNAH1 (dynein axonemal heavy chain 1; plus strand). Cytogenetic location: 3p21.1.
Variant type: single nucleotide variant.
Coding change: c.7192C>T on transcript NM_015512.5 (MANE Select); coding-DNA position 7192, C replaced by T.
Protein change: p.Arg2398Cys; replaces arginine 2398 with cysteine.
Molecular consequence: missense variant.
Genome position (GRCh38, 1-based): chr3:52,375,987, C>T. VCF-style: chr3-52375987-C-T. GRCh37 (hg19) VCF-style: chr3-52410003-C-T.
Other names: short protein forms R2398C.
Identifiers: ClinVar variation 2933984 (VCV002933984.2), dbSNP rs766129816, ClinGen allele CA2434797.

ClinVar aggregate classification (germline): Uncertain significance (1 of 4 stars; one submission).

Conditions:
Ciliary dyskinesia, primary, 37 (CILD37). Also called: CILIARY DYSKINESIA, PRIMARY, 37, WITH OR WITHOUT SITUS INVERSUS. Identifiers: MedGen C4539798, MONDO:0033204, OMIM 617577.
Spermatogenic failure 18. Identifiers: MedGen C4539783, MONDO:0054615, OMIM 617576.

Allele frequency attached by ClinVar (database versions not stated): gnomAD exomes 0.00003; ExAC 0.00001; gnomAD 0.00001.
gnomAD v4.1: 46 of 1,611,904 alleles (0.0029%); highest among the groups gnomAD compares: Non-Finnish European, 0.0036%; no homozygotes.

Submission:

Labcorp Genetics (formerly Invitae), Labcorp
Classification: Uncertain significance for Ciliary dyskinesia, primary, 37; Spermatogenic failure 18. Last evaluated: 2026-01-17. Review status: criteria provided, single submitter. Criteria: Invitae Variant Classification Sherloc (09022015). Collection method: clinical testing. Allele origin: germline.
Comment: This sequence change replaces arginine, which is basic and polar, with cysteine, which is neutral and slightly polar, at codon 2398 of the DNAH1 protein (p.Arg2398Cys). This variant is present in population databases (rs766129816, gnomAD 0.003%). This variant has not been reported in the literature in individuals affected with DNAH1-related conditions. ClinVar contains an entry for this variant (Variation ID: 2933984). An algorithm developed to predict the effect of missense changes on protein structure and function (PolyPhen-2) suggests that this variant is likely to be tolerated. In summary, the available evidence is currently insufficient to determine the role of this variant in disease. Therefore, it has been classified as a Variant of Uncertain Significance.